The following is an entry in ClinVar:

ClinVar aggregate classification (germline): Uncertain significance (1 of 4 stars; one submission).

Conditions:
Long QT syndrome (LQTS). Identifiers: MedGen C0023976, MeSH D008133, MONDO:0002442. Disease mechanism: loss of function. Inheritance: Various modes of inheritance.

Allele frequency attached by ClinVar (database versions not stated): ExAC 0.00001; gnomAD exomes 0.00001 and 0.00002.
gnomAD v4.1: 16 of 1,613,932 alleles (0.00099%); highest among the groups gnomAD compares: South Asian, 0.018%; no homozygotes.

Submission:

Labcorp Genetics (formerly Invitae), Labcorp
Classification: Uncertain significance for Long QT syndrome. Last evaluated: 2021-05-05. Review status: criteria provided, single submitter. Criteria: Invitae Variant Classification Sherloc (09022015). Collection method: clinical testing. Allele origin: germline.
Comment: Algorithms developed to predict the effect of missense changes on protein structure and function output the following: SIFT: "Tolerated"; PolyPhen-2: "Possibly Damaging"; Align-GVGD: "Class C0". The glutamic acid amino acid residue is found in multiple mammalian species, suggesting that this missense change does not adversely affect protein function. These predictions have not been confirmed by published functional studies and their clinical significance is uncertain. In summary, the available evidence is currently insufficient to determine the role of this variant in disease. Therefore, it has been classified as a Variant of Uncertain Significance. This variant has not been reported in the literature in individuals with AKAP9-related conditions. This sequence change replaces glycine with glutamic acid at codon 3438 of the AKAP9 protein (p.Gly3438Glu). The glycine residue is moderately conserved and there is a moderate physicochemical difference between glycine and glutamic acid. This variant is present in population databases (rs758637158, ExAC 0.006%).

NM_005751.5(AKAP9):c.10313G>A (p.Gly3438Glu)

Gene: AKAP9 (A-kinase anchoring protein 9; plus strand). Cytogenetic location: 7q21.2.
Variant type: single nucleotide variant.
Coding change: c.10313G>A on transcript NM_005751.5 (MANE Select); coding-DNA position 10313, G replaced by A.
Protein change: p.Gly3438Glu; replaces glycine 3438 with glutamic acid.
Molecular consequence: missense variant.
Genome position (GRCh38, 1-based): chr7:92,097,272, G>A. VCF-style: chr7-92097272-G-A. GRCh37 (hg19) VCF-style: chr7-91726586-G-A.
Other names: c.4958G>A, p.Gly1653Glu (NM_001379277.1); c.10289G>A, p.Gly3430Glu (NM_147185.3); short protein forms G1653E, G3430E, G3438E.
Identifiers: ClinVar variation 950579 (VCV000950579.8), dbSNP rs758637158, ClinGen allele CA4337922.